The following is an entry in ClinVar:

NM_022436.3(ABCG5):c.1650-2A>T

Genes: ABCG5 (ATP binding cassette subfamily G member 5; minus strand), DYNC2LI1 (dynein cytoplasmic 2 light intermediate chain 1; plus strand). Cytogenetic location: 2p21.
Variant type: single nucleotide variant.
Coding change: c.1650-2A>T on transcript NM_022436.3 (MANE Select); the canonical splice acceptor site of the intron before coding-DNA position 1650, A replaced by T.
Molecular consequence: splice acceptor variant. On other transcripts: intron variant (2).
Genome position (GRCh38, 1-based): chr2:43,814,591, T>A on the plus strand (A>T on the coding strand, the complement: ABCG5 is on the minus strand). VCF-style: chr2-43814591-T-A. GRCh37 (hg19) VCF-style: chr2-44041730-T-A.
Other names: c.*15+4067T>A (NM_001348913.2, NM_001348912.2).
Identifiers: ClinVar variation 3340084 (VCV003340084.1).
Genomic context (GRCh38, chr2:43,814,591, plus strand): 5'-ATTTTTGGAATGTAAAATAACTGATGATTTTAAAAGGAATGGGCATTTCTTGTATGTTTC[T>A]TAAGAAAAAGAAAACAAAAATGAAATTCAGTAGGCTCTGGCAATAGTCCTACCAAATGAA-3'

ClinVar aggregate classification (germline): Uncertain significance (0 of 4 stars; one submission).

Conditions:
Sitosterolemia (STSL). Also called: PHYTOSTEROLEMIA. Identifiers: Orphanet 2882, MedGen C0342907, MONDO:0008863.

gnomAD v4.1: 2 of 1,567,632 alleles (0.00013%); highest among the groups gnomAD compares: South Asian, 0.0022%; no homozygotes.

Submission:

Amrita Institute of Medical Sciences and Research Centre, Amrita Vishwa Vidyapeetham
Classification: Uncertain significance for Sitosterolemia. Last evaluated: 2023-08-03. Review status: no assertion criteria provided. Collection method: clinical testing. Allele origin: germline. Affected: yes.
Comment: This is a novel mutation of intron 11 in ABCG5 gene,proved to be deleteriousin Mutation Taster.